The following is an entry in ClinVar:

ClinVar aggregate classification (germline): Likely benign. Review status: criteria provided, multiple submitters, no conflicts (2 of 4 stars). 2 submissions from 2 submitters: Likely benign (2). Last evaluated 2023-04-04.

Conditions:
Epilepsy, progressive myoclonic, 1B. Also called: PME. Identifiers: Orphanet 308, MedGen C2676254, MONDO:0012904, OMIM 612437.

Submissions (2):

Labcorp Genetics (formerly Invitae), Labcorp
Classification: Likely benign for Epilepsy, progressive myoclonic, 1B. Last evaluated: 2023-04-04. Review status: criteria provided, single submitter. Criteria: Invitae Variant Classification Sherloc (09022015). Collection method: clinical testing. Allele origin: germline.

GeneDx
Classification: Likely benign. Last evaluated: 2017-06-30. Review status: criteria provided, single submitter. Criteria: GeneDx Variant Classification (06012015). Collection method: clinical testing. Allele origin: germline. Affected: yes.
Comment: This variant is considered likely benign or benign based on one or more of the following criteria: it is a conservative change, it occurs at a poorly conserved position in the protein, it is predicted to be benign by multiple in silico algorithms, and/or has population frequency not consistent with disease.

NM_153026.3(PRICKLE1):c.588+10del

Gene: PRICKLE1 (prickle planar cell polarity protein 1; minus strand). Cytogenetic location: 12q12.
Variant type: Deletion.
Coding change: c.588+10del on transcript NM_153026.3 (MANE Select); 10 bases into the intron after coding-DNA position 588, one base deleted (A; older notation c.588+10delA).
Molecular consequence: intron variant.
Genome position (GRCh38, 1-based): chr12:42,468,616, T deleted on the plus strand (A on the coding strand, the reverse complement: PRICKLE1 is on the minus strand); the first of 8 consecutive T bases (chr12:42,468,616-42,468,623); deleting any one gives the same sequence. VCF-style (leftmost placement, unchanged base first): chr12-42468615-CT-C. GRCh37 (hg19) VCF-style: chr12-42862417-CT-C.
Other names: c.588+10delA (NM_153026.2); c.588+10del (NM_001144883.2, NM_001144882.2, NM_001144881.2).
Identifiers: ClinVar variation 510500 (VCV000510500.9), dbSNP rs766626651, ClinGen allele CA6519885.